The following is an entry in ClinVar:

NM_000135.4(FANCA):c.4295T>G (p.Val1432Gly)

Genes: FANCA (FA complementation group A; minus strand), ZNF276 (zinc finger protein 276; plus strand). Cytogenetic location: 16q24.3.
Variant type: single nucleotide variant.
Coding change: c.4295T>G on transcript NM_000135.4 (MANE Select); coding-DNA position 4295, T replaced by G.
Protein change: p.Val1432Gly; replaces valine 1432 with glycine.
Molecular consequence: missense variant. On other transcripts: 3 prime UTR variant (3), non-coding transcript variant (4).
Genome position (GRCh38, 1-based): chr16:89,738,674, A>C on the plus strand (T>G on the coding strand, the complement: FANCA is on the minus strand). VCF-style: chr16-89738674-A-C. GRCh37 (hg19) VCF-style: chr16-89805082-A-C.
Other names: c.*24T>G (NM_001286167.3); c.*428A>C (NM_001113525.2, NM_152287.4); short protein forms V1432G.
Identifiers: ClinVar variation 2975845 (VCV002975845.4), dbSNP rs1598048824, ClinGen allele CA397483091.

ClinVar aggregate classification (germline): Uncertain significance. Review status: criteria provided, multiple submitters, no conflicts (2 of 4 stars). 2 submissions from 2 submitters: Uncertain significance (2). Last evaluated 2025-05-09.

Conditions:
Inborn genetic diseases. Identifiers: MedGen C0950123, MeSH D030342.
Fanconi anemia (FA). Also called: Fanconi's anemia. Identifiers: Orphanet 84, MedGen C0015625, MeSH D005199, MONDO:0019391.

Submissions (2):

Ambry Genetics
Classification: Uncertain significance for Inborn genetic diseases. Last evaluated: 2025-05-09. Review status: criteria provided, single submitter. Criteria: Ambry Variant Classification Scheme 2023. Collection method: clinical testing. Allele origin: germline.
Comment: The p.V1432G variant (also known as c.4295T>G), located in coding exon 43 of the FANCA gene, results from a T to G substitution at nucleotide position 4295. The valine at codon 1432 is replaced by glycine, an amino acid with dissimilar properties. This amino acid position is conserved. In addition, this alteration is predicted to be deleterious by in silico analysis. Based on the available evidence, the clinical significance of this variant remains unclear.

Labcorp Genetics (formerly Invitae), Labcorp
Classification: Uncertain significance for Fanconi anemia. Last evaluated: 2023-02-16. Review status: criteria provided, single submitter. Criteria: Invitae Variant Classification Sherloc (09022015). Collection method: clinical testing. Allele origin: germline.
Comment: This sequence change replaces valine, which is neutral and non-polar, with glycine, which is neutral and non-polar, at codon 1432 of the FANCA protein (p.Val1432Gly). This variant is not present in population databases (gnomAD no frequency). This variant has not been reported in the literature in individuals affected with FANCA-related conditions. Advanced modeling of protein sequence and biophysical properties (such as structural, functional, and spatial information, amino acid conservation, physicochemical variation, residue mobility, and thermodynamic stability) has been performed at Invitae for this missense variant, however the output from this modeling did not meet the statistical confidence thresholds required to predict the impact of this variant on FANCA protein function. In summary, the available evidence is currently insufficient to determine the role of this variant in disease. Therefore, it has been classified as a Variant of Uncertain Significance.